The following is an entry in ClinVar:

NM_016111.4(TELO2):c.2323TCC[1] (p.Ser776del)

Gene: TELO2 (telomere maintenance 2; plus strand). Cytogenetic location: 16p13.3.
Variant type: Microsatellite.
Coding change: c.2323TCC[1] on transcript NM_016111.4 (MANE Select); one copy of the 3-base unit TCC starting at c.2323; the reference has two copies in a row; one copy, 3 bases deleted.
Protein change: p.Ser776del; deletes serine 776.
Genome position (GRCh38, 1-based): chr16:1,507,635-1,507,637, TCC deleted; deleting any 3 consecutive bases within chr16:1,507,631-1,507,637 gives the same sequence; the position shown is the placement nearest the transcript's 3' end. VCF-style (leftmost placement, unchanged base first): chr16-1507630-TCTC-T. GRCh37 (hg19) VCF-style: chr16-1557631-TCTC-T.
Other names: c.2323TCC[1], p.Ser776del (NM_001351846.2); short protein forms S776del.
Identifiers: ClinVar variation 5041582 (VCV005041582.1).

ClinVar aggregate classification (germline): Uncertain significance (1 of 4 stars; one submission).

Submission:

CeGaT Center for Human Genetics Tuebingen
Classification: Uncertain significance. Last evaluated: 2026-09-01. Review status: criteria provided, single submitter. Criteria: CeGaT Center For Human Genetics Tuebingen Variant Classification Criteria Version 2. Collection method: clinical testing. Allele origin: germline. Affected: yes. Observed: 1 variant allele.
Comment: TELO2: PM2, PM4:Supporting